The following is an entry in ClinVar:

ClinVar aggregate classification (germline): Likely benign (1 of 4 stars; one submission).

gnomAD v4.1: 705 of 1,595,786 alleles (0.044%); highest among the groups gnomAD compares: African/African-American, 0.64%; 1 homozygote.

Submission:

CeGaT Center for Human Genetics Tuebingen
Classification: Likely benign. Last evaluated: 2025-11-01. Review status: criteria provided, single submitter. Criteria: CeGaT Center For Human Genetics Tuebingen Variant Classification Criteria Version 2. Collection method: clinical testing. Allele origin: germline. Affected: yes. Observed: 2 variant alleles.
Comment: KIF26A: BP4, BS2

NM_015656.2(KIF26A):c.3281G>C (p.Gly1094Ala)

Gene: KIF26A (kinesin family member 26A; plus strand). Cytogenetic location: 14q32.33.
Variant type: single nucleotide variant.
Coding change: c.3281G>C on transcript NM_015656.2 (MANE Select); coding-DNA position 3281, G replaced by C.
Protein change: p.Gly1094Ala; replaces glycine 1094 with alanine.
Molecular consequence: missense variant.
Genome position (GRCh38, 1-based): chr14:104,176,069, G>C. VCF-style: chr14-104176069-G-C. GRCh37 (hg19) VCF-style: chr14-104642406-G-C.
Other names: short protein forms G1094A.
Identifiers: ClinVar variation 4084228 (VCV004084228.8).